The following is an entry in ClinVar:

ClinVar aggregate classification (germline): Uncertain significance (1 of 4 stars; one submission).

gnomAD v4.1: 18 of 1,613,268 alleles (0.0011%); highest among the groups gnomAD compares: Middle Eastern, 0.016%; no homozygotes.

Submission:

Ambry Genetics
Classification: Uncertain significance. Last evaluated: 2026-02-17. Review status: criteria provided, single submitter. Criteria: Ambry Variant Classification Scheme 2023. Collection method: clinical testing. Allele origin: germline.
Comment: The c.4399G>A (p.D1467N) alteration is located in exon 19 (coding exon 18) of the DOPEY2 gene. This alteration results from a G to A substitution at nucleotide position 4399, causing the aspartic acid (D) at amino acid position 1467 to be replaced by an asparagine (N). Based on data from gnomAD, the A allele has an overall frequency of 0.002% (5/279902) total alleles studied. The highest observed frequency was 0.014% (5/35188) of Latino alleles. Based on insufficient or conflicting evidence, the clinical significance of this alteration remains unclear.

NM_001320714.2(DOP1B):c.4399G>A (p.Asp1467Asn)

Gene: DOP1B (DOP1 leucine zipper like protein B; plus strand). Cytogenetic location: 21q22.12.
Variant type: single nucleotide variant.
Coding change: c.4399G>A on transcript NM_001320714.2 (MANE Select); coding-DNA position 4399, G replaced by A.
Protein change: p.Asp1467Asn; replaces aspartic acid 1467 with asparagine.
Molecular consequence: missense variant.
Genome position (GRCh38, 1-based): chr21:36,246,379, G>A. VCF-style: chr21-36246379-G-A. GRCh37 (hg19) VCF-style: chr21-37618677-G-A.
Other names: c.4399G>A, p.Asp1467Asn (NM_005128.4); short protein forms D1467N.
Identifiers: ClinVar variation 4828194 (VCV004828194.1).